The following is an entry in ClinVar:

NM_020754.4(ARHGAP31):c.3261G>A (p.Lys1087=)

Gene: ARHGAP31 (Rho GTPase activating protein 31; plus strand). Cytogenetic location: 3q13.33.
Variant type: single nucleotide variant.
Coding change: c.3261G>A on transcript NM_020754.4 (MANE Select); coding-DNA position 3261, G replaced by A.
Protein change: p.Lys1087=; no amino-acid change (lysine 1087 retained).
Molecular consequence: synonymous variant.
Genome position (GRCh38, 1-based): chr3:119,415,190, G>A. VCF-style: chr3-119415190-G-A. GRCh37 (hg19) VCF-style: chr3-119134037-G-A.
Identifiers: ClinVar variation 4999764 (VCV004999764.1).

ClinVar aggregate classification (germline): Likely benign (1 of 4 stars; one submission).

Conditions:
ARHGAP31-related disorder. Also called: ARHGAP31-related condition.

Submission:

PreventionGenetics, part of Exact Sciences
Classification: Likely benign for ARHGAP31-related condition. Last evaluated: 2024-10-17. Review status: criteria provided, single submitter. Criteria: ACMG Guidelines, 2015. Collection method: clinical testing. Allele origin: germline.
Comment: This variant is classified as likely benign based on ACMG/AMP sequence variant interpretation guidelines (Richards et al. 2015 PMID: 25741868, with internal and published modifications).